The following is an entry in ClinVar:

ClinVar aggregate classification (germline): Uncertain significance. Review status: criteria provided, multiple submitters, no conflicts (2 of 4 stars). 3 submissions from 3 submitters: Uncertain significance (3). Last evaluated 2026-05-27.

Conditions:
TTN-related disorder. Also called: TTN-related condition; TTN-related disease; TTN-related disorders.
Autosomal recessive limb-girdle muscular dystrophy type 2J (LGMDR10). Also called: Limb-girdle muscular dystrophy, type 2J; MUSCULAR DYSTROPHY, LIMB-GIRDLE, AUTOSOMAL RECESSIVE 10. Identifiers: Orphanet 140922, MedGen C1837342, MONDO:0012127, OMIM 608807.
Dilated cardiomyopathy 1G (CMD1G). Identifiers: Orphanet 154, MedGen C1858763, MONDO:0011400, OMIM 604145.
Cardiomyopathy (CMYO). Also called: Cardiomyopathies. Identifiers: Orphanet 167848, MedGen C0878544, MONDO:0004994, HP:0001638. Inheritance: Various modes of inheritance.

Allele frequency attached by ClinVar (database versions not stated): TOPMed 0.00001; ExAC 0.00002; ESP Exome Variant Server 0.00008.
gnomAD v4.1: 42 of 1,613,028 alleles (0.0026%); highest among the groups gnomAD compares: Non-Finnish European, 0.0036%; no homozygotes.

Submissions (3):

PreventionGenetics, part of Exact Sciences
Classification: Uncertain significance for TTN-related condition. Last evaluated: 2026-05-27. Review status: criteria provided, single submitter. Criteria: ACMG Guidelines, 2015. Collection method: clinical testing. Allele origin: germline.
Comment: The TTN c.71476G>C variant is predicted to result in the amino acid substitution p.Val23826Leu. This variant has been reported in an individual with dilated cardiomyopathy (Table S3, Mazzarotto et al. 2020. PubMed ID: 31983221). This variant is reported in 0.0065% of alleles in individuals of African descent in gnomAD. At this time, the clinical significance of this variant is uncertain due to the absence of conclusive functional and genetic evidence.

CHEO Genetics Diagnostic Laboratory, Children's Hospital of Eastern Ontario
Classification: Uncertain significance for Cardiomyopathy. Last evaluated: 2021-07-06. Review status: criteria provided, single submitter. Criteria: ACMG Guidelines, 2015. Collection method: clinical testing. Allele origin: germline.

Labcorp Genetics (formerly Invitae), Labcorp
Classification: Uncertain significance for Dilated cardiomyopathy 1G; Autosomal recessive limb-girdle muscular dystrophy type 2J. Last evaluated: 2017-06-05. Review status: criteria provided, single submitter. Criteria: Invitae Variant Classification Sherloc (09022015). Collection method: clinical testing. Allele origin: germline.

NM_001267550.2(TTN):c.71476G>C (p.Val23826Leu)

Genes: TTN (titin; minus strand), TTN-AS1 (TTN antisense RNA 1; plus strand). Cytogenetic location: 2q31.2.
Variant type: single nucleotide variant.
Coding change: c.71476G>C on transcript NM_001267550.2 (MANE Select); coding-DNA position 71476, G replaced by C.
Protein change: p.Val23826Leu; replaces valine 23826 with leucine.
Molecular consequence: missense variant.
Genome position (GRCh38, 1-based): chr2:178,574,656, C>G on the plus strand (G>C on the coding strand, the complement: TTN is on the minus strand). VCF-style: chr2-178574656-C-G. GRCh37 (hg19) VCF-style: chr2-179439383-C-G.
Other names: c.66553G>C, p.Val22185Leu (NM_001256850.1); c.44281G>C, p.Val14761Leu (NM_003319.4); c.63772G>C, p.Val21258Leu (NM_133378.4); c.44656G>C, p.Val14886Leu (NM_133432.3); c.44857G>C, p.Val14953Leu (NM_133437.4); short protein forms V23826L, V14761L, V14886L, V21258L, V22185L, V14953L.
Identifiers: ClinVar variation 467441 (VCV000467441.6), dbSNP rs377751708, ClinGen allele CA1990626.